The following is an entry in ClinVar:

NM_001080467.3(MYO5B):c.2965C>A (p.Arg989Ser)

Gene: MYO5B (myosin VB; minus strand). Cytogenetic location: 18q21.1.
Variant type: single nucleotide variant.
Coding change: c.2965C>A on transcript NM_001080467.3 (MANE Select); coding-DNA position 2965, C replaced by A.
Protein change: p.Arg989Ser; replaces arginine 989 with serine.
Molecular consequence: missense variant.
Genome position (GRCh38, 1-based): chr18:49,895,021, G>T on the plus strand (C>A on the coding strand, the complement: MYO5B is on the minus strand). VCF-style: chr18-49895021-G-T. GRCh37 (hg19) VCF-style: chr18-47421391-G-T.
Other names: short protein forms R989S.
Identifiers: ClinVar variation 1468098 (VCV001468098.8), dbSNP rs771049134, ClinGen allele CA402429651.

ClinVar aggregate classification (germline): Uncertain significance (1 of 4 stars; one submission).

Submission:

Labcorp Genetics (formerly Invitae), Labcorp
Classification: Uncertain significance. Last evaluated: 2021-08-15. Review status: criteria provided, single submitter. Criteria: Invitae Variant Classification Sherloc (09022015). Collection method: clinical testing. Allele origin: germline.
Comment: In summary, the available evidence is currently insufficient to determine the role of this variant in disease. Therefore, it has been classified as a Variant of Uncertain Significance. Algorithms developed to predict the effect of missense changes on protein structure and function are either unavailable or do not agree on the potential impact of this missense change (SIFT: "Deleterious"; PolyPhen-2: "Benign"; Align-GVGD: "Class C0"). This variant has not been reported in the literature in individuals with MYO5B-related conditions. This variant is not present in population databases (ExAC no frequency). This sequence change replaces arginine with serine at codon 989 of the MYO5B protein (p.Arg989Ser). The arginine residue is highly conserved and there is a moderate physicochemical difference between arginine and serine.